The following is an entry in ClinVar:

NM_020632.3(ATP6V0A4):c.1345C>T (p.Arg449Cys)

Gene: ATP6V0A4 (ATPase H+ transporting V0 subunit a4; minus strand). Cytogenetic location: 7q34.
Variant type: single nucleotide variant.
Coding change: c.1345C>T on transcript NM_020632.3 (MANE Select); coding-DNA position 1345, C replaced by T.
Protein change: p.Arg449Cys; replaces arginine 449 with cysteine.
Molecular consequence: missense variant.
Genome position (GRCh38, 1-based): chr7:138,745,256, G>A on the plus strand (C>T on the coding strand, the complement: ATP6V0A4 is on the minus strand). VCF-style: chr7-138745256-G-A. GRCh37 (hg19) VCF-style: chr7-138430001-G-A.
Other names: p.Arg449Cys; c.1345C>T (NM_130841.2); c.1345C>T, p.Arg449Cys (NM_130840.3, NM_130841.3); short protein forms R449C.
Identifiers: ClinVar variation 956634 (VCV000956634.14), dbSNP rs370861594, ClinGen allele CA4504792.

ClinVar aggregate classification (germline): Pathogenic/Likely pathogenic. Review status: criteria provided, multiple submitters, no conflicts (2 of 4 stars). 5 submissions from 5 submitters: Pathogenic (2); Likely pathogenic (2). 1 of the submissions does not count toward it. Last evaluated 2024-12-11.

Conditions:
Renal tubular acidosis, distal, 3, with or without sensorineural hearing loss (DRTA3). Identifiers: MedGen C5399980, MONDO:0011268, OMIM 602722.

Allele frequency attached by ClinVar (database versions not stated): ExAC 0.00002; gnomAD 0.00002 and 0.00003; gnomAD exomes 0.00002; TOPMed 0.00004; ESP Exome Variant Server 0.00008.
gnomAD v4.1: 18 of 1,613,948 alleles (0.0011%); highest among the groups gnomAD compares: African/African-American, 0.0027%; no homozygotes.

Submissions (5):

GeneDx
Classification: Likely pathogenic. Last evaluated: 2024-12-11. Review status: criteria provided, single submitter. Criteria: GeneDx Variant Classification Process June 2021. Collection method: clinical testing. Allele origin: germline. Affected: yes.
Comment: Not observed at significant frequency in large population cohorts (gnomAD); In silico analysis supports that this missense variant has a deleterious effect on protein structure/function; This variant is associated with the following publications: (PMID: 25285676, 28188436, 28233610)

Foundation for Research in Genetics and Endocrinology, FRIGE's Institute of Human Genetics
Classification: Pathogenic for Renal tubular acidosis, distal, 3, with or without sensorineural hearing loss. Last evaluated: 2024-05-10. Review status: criteria provided, single submitter. Criteria: ACMG Guidelines, 2015. Collection method: clinical testing. Allele origin: germline. Inheritance: Autosomal recessive inheritance. Affected: yes. Observed: 1 homozygote.
Comment: A homozygous missense variation in exon 13 of the ATP6V0A4 gene that results in the amino acid substitution of Cystine for Arginine at codon 449 was detected. The observed variant c.1345C>T (p.Arg449Cys) has not been reported in the 1000 genomes and has shown minor allelic frequency of 0.0023% and 0.0038% in gnomAD and TOPMed databases. The in silico prediction of the variant is damaging by REVEL, PROVEAN, DANN and SIFT. The reference codon is conserved across species. In summary, the variant meets our criteria to be classified as pathogenic.

Fulgent Genetics
Classification: Likely pathogenic for Renal tubular acidosis, distal, 3, with or without sensorineural hearing loss. Last evaluated: 2024-03-13. Review status: criteria provided, single submitter. Criteria: ACMG Guidelines, 2015. Collection method: clinical testing. Allele origin: germline.

Labcorp Genetics (formerly Invitae), Labcorp
Classification: Pathogenic. Last evaluated: 2023-05-24. Review status: criteria provided, single submitter. Criteria: Invitae Variant Classification Sherloc (09022015). Collection method: clinical testing. Allele origin: germline.
Comment: This missense change has been observed in individuals with renal tubular acidosis (PMID: 25285676, 28188436, 28233610). This sequence change replaces arginine, which is basic and polar, with cysteine, which is neutral and slightly polar, at codon 449 of the ATP6V0A4 protein (p.Arg449Cys). This variant is present in population databases (rs370861594, gnomAD 0.007%). ClinVar contains an entry for this variant (Variation ID: 956634). Advanced modeling of protein sequence and biophysical properties (such as structural, functional, and spatial information, amino acid conservation, physicochemical variation, residue mobility, and thermodynamic stability) performed at Invitae indicates that this missense variant is expected to disrupt ATP6V0A4 protein function. This variant disrupts the p.Arg449 amino acid residue in ATP6V0A4. Other variant(s) that disrupt this residue have been observed in individuals with ATP6V0A4-related conditions (PMID: 12414817, 26787776, 29311258), which suggests that this may be a clinically significant amino acid residue. For these reasons, this variant has been classified as Pathogenic.

Genetics laboratory, Institute of Kidney Diseases & Research Centre Dr. H.L. Trivedi Institute Of Transplantation Sciences
Classification: Pathogenic for Renal tubular acidosis, distal, 3, with or without sensorineural hearing loss. Last evaluated: 2024-05-11. Review status: no assertion criteria provided. Collection method: clinical testing. Allele origin: germline. Inheritance: Autosomal recessive inheritance. Affected: yes. Observed: 1 variant allele, 1 homozygote. Not counted in ClinVar's aggregate classification.
Comment: A homozygous missense variant c.1345C>T (p.Arg449Cys) in ATP6V0A4 (chr7:138430001; Depth:95x) gene was detected. The missense variant changes amino acid residue from arginine to cystine at 449 amino acid position. The variant has previously been observed in TOPMed and gnomAD database with MAF of 0.0038% and 0.0065%, respectively. The variant has previously been reported in ClinVar as pathogenic (RCV001229476.7). In silico predictions by PolyPhen2, SIFT, CADD and REVEL is suggestive of damaging. Therefore, the variant is classified as pathogenic based on the ACMG-AMP classification system and ClinGen framework.

Literature cited by the submitters: PubMed 25285676 (cited by Labcorp Genetics (formerly Invitae), Labcorp); PubMed 28188436 (cited by Labcorp Genetics (formerly Invitae), Labcorp); PubMed 28233610 (cited by Labcorp Genetics (formerly Invitae), Labcorp); PubMed 12414817 (cited by Labcorp Genetics (formerly Invitae), Labcorp); PubMed 26787776 (cited by Labcorp Genetics (formerly Invitae), Labcorp); PubMed 29311258 (cited by Labcorp Genetics (formerly Invitae), Labcorp).